The following is an entry in ClinVar:

NM_138295.5(PKD1L1):c.3630C>T (p.Thr1210=)

Gene: PKD1L1 (polycystin 1 like 1, transient receptor potential channel interacting; minus strand). Cytogenetic location: 7p12.3.
Variant type: single nucleotide variant.
Coding change: c.3630C>T on transcript NM_138295.5 (MANE Select); coding-DNA position 3630, C replaced by T.
Protein change: p.Thr1210=; no amino-acid change (threonine 1210 retained).
Molecular consequence: synonymous variant.
Genome position (GRCh38, 1-based): chr7:47,877,522, G>A on the plus strand (C>T on the coding strand, the complement: PKD1L1 is on the minus strand). VCF-style: chr7-47877522-G-A. GRCh37 (hg19) VCF-style: chr7-47917120-G-A.
Identifiers: ClinVar variation 3043680 (VCV003043680.2), dbSNP rs145960512, ClinGen allele CA454915928.

ClinVar aggregate classification (germline): Likely benign (0 of 4 stars; one submission).

Conditions:
PKD1L1-related disorder. Also called: PKD1L1-related condition.

gnomAD v4.1: 17 of 1,613,814 alleles (0.0011%); highest among the groups gnomAD compares: East Asian, 0.0045%; no homozygotes.

Submission:

PreventionGenetics, part of Exact Sciences
Classification: Likely benign for PKD1L1-related condition. Last evaluated: 2023-03-09. Review status: no assertion criteria provided. Collection method: clinical testing. Allele origin: germline.
Comment: This variant is classified as likely benign based on ACMG/AMP sequence variant interpretation guidelines (Richards et al. 2015 PMID: 25741868, with internal and published modifications).